The following is an entry in ClinVar:

ClinVar aggregate classification (germline): Likely benign. Review status: criteria provided, multiple submitters, no conflicts (2 of 4 stars). 2 submissions from 2 submitters: Likely benign (2). Last evaluated 2026-06-01.

Conditions:
Dextro-looped transposition of the great arteries. Also called: Dextrotransposition of the great arteries. Identifiers: Orphanet 860, MedGen C3531771, MONDO:0019443, OMIM 608808, HP:0031348.

Allele frequency attached by ClinVar (database versions not stated): ESP Exome Variant Server 0.00015; 1000 Genomes Project 0.00020; 1000 Genomes Project 30x 0.00031.
gnomAD v4.1: 38 of 1,614,172 alleles (0.0024%); highest among the groups gnomAD compares: African/African-American, 0.015%; no homozygotes.

Submissions (2):

CeGaT Center for Human Genetics Tuebingen
Classification: Likely benign. Last evaluated: 2026-06-01. Review status: criteria provided, single submitter. Criteria: CeGaT Center For Human Genetics Tuebingen Variant Classification Criteria Version 2. Collection method: clinical testing. Allele origin: germline. Affected: yes. Observed: 1 variant allele.
Comment: MED13L: BP4

Labcorp Genetics (formerly Invitae), Labcorp
Classification: Likely benign for Dextro-looped transposition of the great arteries. Last evaluated: 2022-11-07. Review status: criteria provided, single submitter. Criteria: Invitae Variant Classification Sherloc (09022015). Collection method: clinical testing. Allele origin: germline.

NM_015335.5(MED13L):c.2932A>G (p.Ile978Val)

Gene: MED13L (mediator complex subunit 13L; minus strand). Cytogenetic location: 12q24.21.
Variant type: single nucleotide variant.
Coding change: c.2932A>G on transcript NM_015335.5 (MANE Select); coding-DNA position 2932, A replaced by G.
Protein change: p.Ile978Val; replaces isoleucine 978 with valine.
Molecular consequence: missense variant.
Genome position (GRCh38, 1-based): chr12:115,996,540, T>C on the plus strand (A>G on the coding strand, the complement: MED13L is on the minus strand). VCF-style: chr12-115996540-T-C. GRCh37 (hg19) VCF-style: chr12-116434345-T-C.
Other names: short protein forms I978V.
Identifiers: ClinVar variation 2040340 (VCV002040340.6), dbSNP rs377007447, ClinGen allele CA6811070.